The following is an entry in ClinVar:

NM_021095.4(SLC5A6):c.393+2T>C

Gene: SLC5A6 (solute carrier family 5 member 6; minus strand). Cytogenetic location: 2p23.3.
Variant type: single nucleotide variant.
Coding change: c.393+2T>C on transcript NM_021095.4 (MANE Select); the canonical splice donor site of the intron after coding-DNA position 393, T replaced by C.
Molecular consequence: splice donor variant.
Genome position (GRCh38, 1-based): chr2:27,207,256, A>G on the plus strand (T>C on the coding strand, the complement: SLC5A6 is on the minus strand). VCF-style: chr2-27207256-A-G. GRCh37 (hg19) VCF-style: chr2-27430124-A-G.
Other names: c.393+2T>C (NM_021095.2).
Identifiers: ClinVar variation 1802141 (VCV001802141.25), dbSNP rs1274201044, ClinGen allele CA346181598.

ClinVar aggregate classification (germline): Pathogenic/Likely pathogenic. Review status: criteria provided, multiple submitters, no conflicts (2 of 4 stars). 2 submissions from 2 submitters: Pathogenic (1); Likely pathogenic (1). Last evaluated 2022-12-04.

Conditions:
Neurodegeneration, infantile-onset, biotin-responsive. Also called: SODIUM-DEPENDENT MULTIVITAMIN TRANSPORTER DEFICIENCY; SMVT DEFICIENCY. Identifiers: Orphanet 521268, MedGen C5436520, MONDO:0033546, OMIM 618973.

Allele frequency attached by ClinVar (database versions not stated): gnomAD exomes below 0.00001.

Submissions (2):

Kids Research, The Children's Hospital at Westmead
Classification: Likely pathogenic for Neurodegeneration, infantile-onset, biotin-responsive. Last evaluated: 2022-12-04. Review status: criteria provided, single submitter. Criteria: ACMG Guidelines, 2015. Collection method: research. Allele origin: paternal. Affected: yes.

Victorian Clinical Genetics Services, Murdoch Childrens Research Institute
Classification: Pathogenic for Neurodegeneration, infantile-onset, biotin-responsive. Last evaluated: 2022-02-02. Review status: criteria provided, single submitter. Criteria: ACMG Guidelines, 2015. Collection method: clinical testing. Allele origin: germline. Inheritance: Autosomal recessive inheritance. Affected: yes.
Comment: Based on the classification scheme VCGS_Germline_v1.3.4, this variant is classified as Pathogenic. Following criteria are met: 0102 - Loss of function is a known mechanism of disease in this gene and is associated with neurodegeneration, infantile-onset, biotin-responsive (MIM#618973). (I) 0106 - This gene is associated with autosomal recessive disease. (I) 0209 - Splice site variant proven to affect splicing of the transcript with uncertain effect on protein sequence. RNA studies done on whole blood showed two abnormal splicing events resulting in either an in-frame deletion of p.(Val5_Glu131del) or a nonsense-mediated-decay (NMD)-predicted variant p.(Glu131_Tyr132ins22*) (Splicing Diagnostics, Kids Neuroscience Centre). (SP) 0251 - This variant is heterozygous. (I) 0304 - Variant is present in gnomAD <0.01 for a recessive condition (v2: 1 heterozygote, 0 homozygotes). (SP) 0505 - Abnormal splicing is predicted by in silico tools and affected nucleotide is highly conserved. (SP) 0705 - No comparable splice site variants have previous evidence for pathogenicity. (I) 0807 - This variant has no previous evidence of pathogenicity. (I) 0903 - This variant has limited evidence for segregation with disease. (SP) 1001 - This variant has strong functional evidence supporting abnormal protein function. Functional studies using this individual's fibroblasts (compound heterozygous with p.(Ser429Gly)) demonstrated both markedly reduced mRNA expression and biotin uptake (personal communication). (I) Legend: (SP) - Supporting pathogenic, (I) - Information, (SB) - Supporting benign